The following is an entry in ClinVar:

NM_014363.6(SACS):c.52_54delinsTT (p.Val18fs)

Genes: SACS (sacsin molecular chaperone; minus strand), LOC130009366 (ATAC-STARR-seq lymphoblastoid silent region 5172; plus strand). Cytogenetic location: 13q12.12.
Variant type: Indel.
Coding change: c.52_54delinsTT on transcript NM_014363.6 (MANE Select); coding-DNA positions 52 to 54, GTG replaced by TT.
Protein change: p.Val18fs; shifts the reading frame from valine 18.
Molecular consequence: frameshift variant. On other transcripts: 5 prime UTR variant (1).
Genome position (GRCh38, 1-based): chr13:23,375,236-23,375,238, CAC replaced by AA on the plus strand (GTG replaced by TT on the coding strand, the reverse complement: SACS is on the minus strand). VCF-style: chr13-23375236-CAC-AA. GRCh37 (hg19) VCF-style: chr13-23949375-CAC-AA.
Other names: c.-302_-300delinsTT (NM_001278055.2); c.52_54delinsTT, p.Val18fs (NM_001437336.1); short protein forms V18fs.
Identifiers: ClinVar variation 5012580 (VCV005012580.1).

ClinVar aggregate classification (germline): Pathogenic (1 of 4 stars; one submission).

Conditions:
Charlevoix-Saguenay spastic ataxia (SACS). Also called: AUTOSOMAL RECESSIVE SPASTIC ATAXIA OF CHARLEVOIX-SAGUENAY; Spastic ataxia of Charlevoix-Saguenay; SPASTIC ATAXIA 6, AUTOSOMAL RECESSIVE. Identifiers: Orphanet 98, MedGen C1849140, MONDO:0010041, OMIM 270550.

Submission:

Myriad Genetics, Inc.
Classification: Pathogenic for Charlevoix-Saguenay spastic ataxia. Last evaluated: 2023-12-17. Review status: criteria provided, single submitter. Criteria: Myriad Autosomal Dominant, Autosomal Recessive and X-Linked Classification Criteria (2023). Collection method: clinical testing. Allele origin: unknown.
Comment: NM_014363.4(SACS):c.52_54delGTGinsTT(V18Lfs*17) is expected to be pathogenic in the context of autosomal recessive spastic ataxia of Charlevoix-Saguenay. This variant is predicted to lead to an abnormal or absent protein product due to the creation of a premature termination codon in SACS, a gene where loss-of-function variants are known to be pathogenic. Please note: this variant was assessed in the context of healthy population screening.